The following is an entry in ClinVar:

ClinVar aggregate classification (germline): Uncertain significance. Review status: criteria provided, multiple submitters, no conflicts (2 of 4 stars). 3 submissions from 3 submitters: Uncertain significance (2). 1 of the submissions does not count toward it. Last evaluated 2023-06-29.

Conditions:
Inborn genetic diseases. Identifiers: MedGen C0950123, MeSH D030342.
BBS9-related disorder. Also called: BBS9-related condition.
Bardet-Biedl syndrome (BBS). Identifiers: Orphanet 110, MedGen C0752166, MONDO:0015229.

Allele frequency attached by ClinVar (database versions not stated): gnomAD 0.00001; ExAC 0.00002; gnomAD exomes 0.00002; TOPMed 0.00002.
gnomAD v4.1: 32 of 1,611,802 alleles (0.002%); highest among the groups gnomAD compares: Non-Finnish European, 0.0025%; no homozygotes.

Submissions (3):

Ambry Genetics
Classification: Uncertain significance for Inborn genetic diseases. Last evaluated: 2023-06-29. Review status: criteria provided, single submitter. Criteria: Ambry Variant Classification Scheme 2023. Collection method: clinical testing. Allele origin: germline.

Labcorp Genetics (formerly Invitae), Labcorp
Classification: Uncertain significance for Bardet-Biedl syndrome. Last evaluated: 2022-05-21. Review status: criteria provided, single submitter. Criteria: Invitae Variant Classification Sherloc (09022015). Collection method: clinical testing. Allele origin: germline.
Comment: This sequence change replaces leucine, which is neutral and non-polar, with histidine, which is basic and polar, at codon 529 of the BBS9 protein (p.Leu529His). This variant is present in population databases (rs762915979, gnomAD 0.003%). This variant has not been reported in the literature in individuals affected with BBS9-related conditions. Algorithms developed to predict the effect of missense changes on protein structure and function are either unavailable or do not agree on the potential impact of this missense change (SIFT: "Deleterious"; PolyPhen-2: "Probably Damaging"; Align-GVGD: "Class C0"). In summary, the available evidence is currently insufficient to determine the role of this variant in disease. Therefore, it has been classified as a Variant of Uncertain Significance.

PreventionGenetics, part of Exact Sciences
Classification: Uncertain significance for BBS9-related condition. Last evaluated: 2024-07-02. Review status: no assertion criteria provided. Collection method: clinical testing. Allele origin: germline. Not counted in ClinVar's aggregate classification.
Comment: The BBS9 c.1586T>A variant is predicted to result in the amino acid substitution p.Leu529His. To our knowledge, this variant has not been reported in the literature. This variant is reported in 0.0031% of alleles in individuals of European (Non-Finnish) descent in gnomAD. At this time, the clinical significance of this variant is uncertain due to the absence of conclusive functional and genetic evidence.

NM_198428.3(BBS9):c.1586T>A (p.Leu529His)

Gene: BBS9 (Bardet-Biedl syndrome 9; plus strand). Cytogenetic location: 7p14.3.
Variant type: single nucleotide variant.
Coding change: c.1586T>A on transcript NM_198428.3 (MANE Select); coding-DNA position 1586, T replaced by A.
Protein change: p.Leu529His; replaces leucine 529 with histidine.
Molecular consequence: missense variant. On other transcripts: non-coding transcript variant (3).
Genome position (GRCh38, 1-based): chr7:33,357,888, T>A. VCF-style: chr7-33357888-T-A. GRCh37 (hg19) VCF-style: chr7-33397500-T-A.
Other names: c.1586T>A (NM_198428.2); c.1481T>A, p.Leu494His (NM_001033604.2); c.1571T>A, p.Leu524His (NM_001033605.2); c.1586T>A, p.Leu529His (NM_001348036.1, NM_001348041.4, NM_001348043.3 and 3 more transcripts); c.1220T>A, p.Leu407His (NM_001348037.3, NM_001348045.3, NM_001348046.3); c.1313T>A, p.Leu438His (NM_001348038.3); c.1208T>A, p.Leu403His (NM_001348039.3); c.1466T>A, p.Leu489His (NM_001348040.3, NM_014451.4); and 2 more; short protein forms L372H, L403H, L407H, L529H, L489H, L524H, L438H, L484H.
Identifiers: ClinVar variation 2161273 (VCV002161273.4), dbSNP rs762915979, ClinGen allele CA4214441.
Genomic context (GRCh38, chr7:33,357,888, plus strand): 5'-AATCTACATATCTCTCTTTTATTTTAGGCATTCCGCGAGTTATCCAATGTAAATTTAGAC[T>A]TCCCCTAAAGTTAATTTGCCTACCAGGTCAGCCTTCAAAAACTGCAAGCCACAAAATTAC-3'
Protein context (NP_940820.1, residues 519-539): IPRVIQCKFR[Leu529His]PLKLICLPGQ